The following is an entry in ClinVar:

NC_000006.11:g.(?_135751000)_(135754414_?)del

Gene: AHI1 (Abelson helper integration site 1; minus strand). Cytogenetic location: 6q23.3.
Variant type: Deletion.
Identifiers: ClinVar variation 1072698 (VCV001072698.8).

ClinVar aggregate classification (germline): Pathogenic (1 of 4 stars; one submission).

Conditions:
Joubert syndrome. Also called: Familial aplasia of the vermis; CEREBELLOPARENCHYMAL DISORDER IV; JOUBERT-BOLTSHAUSER SYNDROME. Identifiers: Orphanet 475, MedGen C5979921, MONDO:0018772.

Submission:

Labcorp Genetics (formerly Invitae), Labcorp
Classification: Pathogenic for Joubert syndrome. Last evaluated: 2024-01-10. Review status: criteria provided, single submitter. Criteria: Invitae Variant Classification Sherloc (09022015). Collection method: clinical testing. Allele origin: germline.
Comment: This variant is a gross deletion of the genomic region encompassing exon(s) 15-17 of the AHI1 gene. This variant would be expected to be in-frame, preserving the integrity of the reading frame. A similar copy number variant has been observed in individual(s) with Joubert syndrome or Meckel-Gruber syndrome (PMID: 26729329). In at least one individual the data is consistent with being in trans (on the opposite chromosome) from a pathogenic variant. It has also been observed to segregate with disease in related individuals. For these reasons, this variant has been classified as Pathogenic.

Literature cited by the submitters: PubMed 26729329.